The following is an entry in ClinVar:

ClinVar aggregate classification (germline): Uncertain significance (1 of 4 stars; one submission).

Allele frequency attached by ClinVar (database versions not stated): ExAC 0.00002.
gnomAD v4.1: 3 of 1,614,150 alleles (0.00019%); highest among the groups gnomAD compares: Non-Finnish European, 0.00025%; no homozygotes.

Submission:

Labcorp Genetics (formerly Invitae), Labcorp
Classification: Uncertain significance. Last evaluated: 2022-09-17. Review status: criteria provided, single submitter. Criteria: Invitae Variant Classification Sherloc (09022015). Collection method: clinical testing. Allele origin: germline.
Comment: In summary, the available evidence is currently insufficient to determine the role of this variant in disease. Therefore, it has been classified as a Variant of Uncertain Significance. Advanced modeling of protein sequence and biophysical properties (such as structural, functional, and spatial information, amino acid conservation, physicochemical variation, residue mobility, and thermodynamic stability) performed at Invitae indicates that this missense variant is not expected to disrupt KCNQ5 protein function. This variant has not been reported in the literature in individuals affected with KCNQ5-related conditions. This variant is present in population databases (rs191250670, gnomAD 0.002%). This sequence change replaces proline, which is neutral and non-polar, with arginine, which is basic and polar, at codon 909 of the KCNQ5 protein (p.Pro909Arg).

NM_019842.4(KCNQ5):c.2669C>G (p.Pro890Arg)

Gene: KCNQ5 (potassium voltage-gated channel subfamily Q member 5; plus strand). Cytogenetic location: 6q13.
Variant type: single nucleotide variant.
Coding change: c.2669C>G on transcript NM_019842.4 (MANE Select); coding-DNA position 2669, C replaced by G.
Protein change: p.Pro890Arg; replaces proline 890 with arginine.
Molecular consequence: missense variant.
Genome position (GRCh38, 1-based): chr6:73,195,284, C>G. VCF-style: chr6-73195284-C-G. GRCh37 (hg19) VCF-style: chr6-73905007-C-G.
Other names: c.2642C>G, p.Pro881Arg (NM_001160130.2); c.2699C>G, p.Pro900Arg (NM_001160132.2); c.2726C>G, p.Pro909Arg (NM_001160133.2); c.2339C>G, p.Pro780Arg (NM_001160134.2); short protein forms P780R, P909R, P900R, P881R, P890R.
Identifiers: ClinVar variation 2064092 (VCV002064092.4), dbSNP rs191250670, ClinGen allele CA3887310.